The following is an entry in ClinVar:

NM_000429.3(MAT1A):c.511G>A (p.Gly171Ser)

Gene: MAT1A (methionine adenosyltransferase 1A; minus strand). Cytogenetic location: 10q22.3.
Variant type: single nucleotide variant.
Coding change: c.511G>A on transcript NM_000429.3 (MANE Select); coding-DNA position 511, G replaced by A.
Protein change: p.Gly171Ser; replaces glycine 171 with serine.
Molecular consequence: missense variant.
Genome position (GRCh38, 1-based): chr10:80,280,211, C>T on the plus strand (G>A on the coding strand, the complement: MAT1A is on the minus strand). VCF-style: chr10-80280211-C-T. GRCh37 (hg19) VCF-style: chr10-82039967-C-T.
Other names: c.511G>A (NM_000429.2); short protein forms G171S.
Identifiers: ClinVar variation 1370394 (VCV001370394.9), dbSNP rs202159786, ClinGen allele CA5576775.

ClinVar aggregate classification (germline): Uncertain significance. Review status: criteria provided, multiple submitters, no conflicts (2 of 4 stars). 2 submissions from 2 submitters: Uncertain significance (2). Last evaluated 2021-12-16.

Conditions:
Hepatic methionine adenosyltransferase deficiency. Also called: Isolated Persistent Hypermethioninemia; Methionine adenosyltransferase deficiency; MAT I/III DEFICIENCY; Deficiency of methionine adenosyltransferase. Identifiers: Orphanet 168598, MedGen C0268621, MeSH C564683, MONDO:0009607, OMIM 250850.
Inborn genetic diseases. Identifiers: MedGen C0950123, MeSH D030342.

Allele frequency attached by ClinVar (database versions not stated): ExAC 0.00001; gnomAD 0.00001; gnomAD exomes 0.00001 and 0.00002; TOPMed 0.00002.

Submissions (2):

Ambry Genetics
Classification: Uncertain significance for Inborn genetic diseases. Last evaluated: 2021-12-16. Review status: criteria provided, single submitter. Criteria: Ambry Variant Classification Scheme 2023. Collection method: clinical testing. Allele origin: germline.

Labcorp Genetics (formerly Invitae), Labcorp
Classification: Uncertain significance for Hepatic methionine adenosyltransferase deficiency. Last evaluated: 2021-05-29. Review status: criteria provided, single submitter. Criteria: Invitae Variant Classification Sherloc (09022015). Collection method: clinical testing. Allele origin: germline.
Comment: Algorithms developed to predict the effect of missense changes on protein structure and function output the following: SIFT: "Deleterious"; PolyPhen-2: "Benign"; Align-GVGD: "Class C0". The serine amino acid residue is found in multiple mammalian species, suggesting that this missense change does not adversely affect protein function. These predictions have not been confirmed by published functional studies and their clinical significance is uncertain. This variant has not been reported in the literature in individuals with MAT1A-related conditions. This variant is present in population databases (rs202159786, ExAC 0.002%). This sequence change replaces glycine with serine at codon 171 of the MAT1A protein (p.Gly171Ser). The glycine residue is highly conserved and there is a small physicochemical difference between glycine and serine. In summary, the available evidence is currently insufficient to determine the role of this variant in disease. Therefore, it has been classified as a Variant of Uncertain Significance.